The following is an entry in ClinVar:

NM_003079.5(SMARCE1):c.388A>G (p.Met130Val)

Gene: SMARCE1 (SWI/SNF related BAF chromatin remodeling complex subunit E1; minus strand). Cytogenetic location: 17q21.2.
Variant type: single nucleotide variant.
Coding change: c.388A>G on transcript NM_003079.5 (MANE Select); coding-DNA position 388, A replaced by G.
Protein change: p.Met130Val; replaces methionine 130 with valine.
Molecular consequence: missense variant.
Genome position (GRCh38, 1-based): chr17:40,636,084, T>C on the plus strand (A>G on the coding strand, the complement: SMARCE1 is on the minus strand). VCF-style: chr17-40636084-T-C. GRCh37 (hg19) VCF-style: chr17-38792336-T-C.
Other names: c.388A>G (NM_003079.4); short protein forms M130V.
Identifiers: ClinVar variation 1438911 (VCV001438911.9), dbSNP rs2143996528, ClinGen allele CA399366739.
Genomic context (GRCh38, chr17:40,636,084, plus strand): 5'-CTGCACGACTTTTTGCATTTATGTAAGCAAGGTACGCGGGGGAATTATGATAGGCCTTCA[T>C]AGATTCATTGTACTCTATCTGAAATTCAAATGTTTTTTGGTTTTATAATTAACATTTTGC-3'
Protein context (NP_003070.3, residues 120-140): EAEKIEYNES[Met130Val]KAYHNSPAYL

ClinVar aggregate classification (germline): Uncertain significance. Review status: criteria provided, multiple submitters, no conflicts (2 of 4 stars). 2 submissions from 2 submitters: Uncertain significance (2). Last evaluated 2025-05-24.

Conditions:
Hereditary cancer-predisposing syndrome. Also called: Neoplastic Syndromes, Hereditary; Hereditary Cancer Syndrome; Hereditary neoplastic syndrome; Tumor predisposition. Identifiers: Orphanet 140162, MedGen C0027672, MeSH D009386, MONDO:0015356.
Familial meningioma. Also called: Meningioma, familial, susceptibility to. Identifiers: Orphanet 263662, MedGen C3551915, MONDO:0011789, OMIM 607174.

Submissions (2):

Ambry Genetics
Classification: Uncertain significance for Hereditary cancer-predisposing syndrome. Last evaluated: 2025-05-24. Review status: criteria provided, single submitter. Criteria: Ambry Variant Classification Scheme 2023. Collection method: clinical testing. Allele origin: germline.
Comment: The p.M130V variant (also known as c.388A>G), located in coding exon 6 of the SMARCE1 gene, results from an A to G substitution at nucleotide position 388. The methionine at codon 130 is replaced by valine, an amino acid with highly similar properties. This amino acid position is conserved. In addition, this alteration is predicted to be deleterious by in silico analysis. Based on the available evidence, the clinical significance of this variant remains unclear.

Labcorp Genetics (formerly Invitae), Labcorp
Classification: Uncertain significance for Familial meningioma. Last evaluated: 2024-12-10. Review status: criteria provided, single submitter. Criteria: Invitae Variant Classification Sherloc (09022015). Collection method: clinical testing. Allele origin: germline.
Comment: This sequence change replaces methionine, which is neutral and non-polar, with valine, which is neutral and non-polar, at codon 130 of the SMARCE1 protein (p.Met130Val). This variant is not present in population databases (gnomAD no frequency). This variant has not been reported in the literature in individuals affected with SMARCE1-related conditions. ClinVar contains an entry for this variant (Variation ID: 1438911). Invitae Evidence Modeling of protein sequence and biophysical properties (such as structural, functional, and spatial information, amino acid conservation, physicochemical variation, residue mobility, and thermodynamic stability) indicates that this missense variant is expected to disrupt SMARCE1 protein function with a positive predictive value of 80%. In summary, the available evidence is currently insufficient to determine the role of this variant in disease. Therefore, it has been classified as a Variant of Uncertain Significance.